The following is an entry in ClinVar:

NM_006439.5(MAB21L2):c.7G>A (p.Ala3Thr)

Genes: LRBA (LPS responsive beige-like anchor protein; minus strand), MAB21L2 (mab-21 like 2; plus strand). Cytogenetic location: 4q31.3.
Variant type: single nucleotide variant.
Coding change: c.7G>A on transcript NM_006439.5 (MANE Select); coding-DNA position 7, G replaced by A.
Protein change: p.Ala3Thr; replaces alanine 3 with threonine.
Molecular consequence: missense variant. On other transcripts: intron variant (6).
Genome position (GRCh38, 1-based): chr4:150,583,036, G>A. VCF-style: chr4-150583036-G-A. GRCh37 (hg19) VCF-style: chr4-151504188-G-A.
Other names: c.6330+5012C>T (NM_001367550.1, NM_001199282.3, NM_001364905.1 and 1 more transcripts); c.6363+5012C>T (NM_006726.5, NM_001440430.1); short protein forms A3T.
Identifiers: ClinVar variation 1034276 (VCV001034276.1), dbSNP rs1771602801, ClinGen allele CA358601988.

ClinVar aggregate classification (germline): Uncertain significance (1 of 4 stars; one submission).

Conditions:
Colobomatous microphthalmia-rhizomelic dysplasia syndrome (MCSKS). Also called: Microphthalmia/coloboma and skeletal dysplasia syndrome. Identifiers: Orphanet 424099, MedGen C4014540, MONDO:0014380, OMIM 615877.

Submission:

Baylor Genetics
Classification: Uncertain significance for Colobomatous microphthalmia-rhizomelic dysplasia syndrome. Last evaluated: 2018-08-01. Review status: criteria provided, single submitter. Criteria: ACMG Guidelines, 2015. Collection method: clinical testing. Allele origin: unknown. Affected: yes.
Comment: This variant was determined to be of uncertain significance according to ACMG Guidelines, 2015 [PMID:25741868].